The following is an entry in ClinVar:

NM_025132.4(WDR19):c.852A>G (p.Ser284=)

Gene: WDR19 (WD repeat domain 19; plus strand). Cytogenetic location: 4p14.
Variant type: single nucleotide variant.
Coding change: c.852A>G on transcript NM_025132.4 (MANE Select); coding-DNA position 852, A replaced by G.
Protein change: p.Ser284=; no amino-acid change (serine 284 retained).
Molecular consequence: synonymous variant.
Genome position (GRCh38, 1-based): chr4:39,205,698, A>G. VCF-style: chr4-39205698-A-G. GRCh37 (hg19) VCF-style: chr4-39207318-A-G.
Other names: p.Ser284=; c.372A>G, p.Ser124= (NM_001317924.2).
Identifiers: ClinVar variation 261866 (VCV000261866.22), dbSNP rs17584431, ClinGen allele CA2891719.

ClinVar aggregate classification (germline): Benign. Review status: criteria provided, multiple submitters, no conflicts (2 of 4 stars). 14 submissions from 10 submitters: Benign (12). 2 of the submissions do not count toward it. Last evaluated 2026-02-04.

Conditions:
Asphyxiating thoracic dystrophy 5 (SRTD5). Also called: SHORT-RIB THORACIC DYSPLASIA 5 WITH OR WITHOUT POLYDACTYLY; SHORT-RIB THORACIC DYSPLASIA 5 WITHOUT POLYDACTYLY. Identifiers: Orphanet 474, MedGen C3280598, MONDO:0013717, OMIM 614376.
Senior-Loken syndrome 8 (SLSN8). Identifiers: Orphanet 3156, MedGen C4225376, MONDO:0014579, OMIM 616307.
Cranioectodermal dysplasia 4 (CED4). Identifiers: Orphanet 1515, MedGen C3280616, MONDO:0013719, OMIM 614378.
Nephronophthisis 13 (NPHP13). Identifiers: Orphanet 655, MedGen C3280612, MONDO:0013718, OMIM 614377.

Allele frequency attached by ClinVar (database versions not stated): gnomAD exomes 0.15554 and 0.15810; ExAC 0.18643; ESP Exome Variant Server 0.11061; TOPMed 0.11521; gnomAD 0.11533 and 0.11982; 1000 Genomes Project 30x 0.11774; 1000 Genomes Project 0.12300.
gnomAD v4.1: 244,517 of 1,608,074 alleles (15%); highest among the groups gnomAD compares: South Asian, 23%; 19,782 homozygotes.

Submissions (14):

Labcorp Genetics (formerly Invitae), Labcorp
Classification: Benign for Senior-Loken syndrome 8; Asphyxiating thoracic dystrophy 5. Last evaluated: 2026-02-04. Review status: criteria provided, single submitter. Criteria: Invitae Variant Classification Sherloc (09022015). Collection method: clinical testing. Allele origin: germline.

Blueprint Genetics
Classification: Benign. Last evaluated: 2024-11-27. Review status: criteria provided, single submitter. Criteria: ACMG Guidelines, 2015. Collection method: clinical testing. Allele origin: germline.

Mayo Clinic Laboratories, Mayo Clinic
Classification: Benign. Last evaluated: 2022-03-09. Review status: criteria provided, single submitter. Criteria: ACMG Guidelines, 2015. Collection method: clinical testing. Allele origin: germline. Observed: 43 variant alleles.

Genome-Nilou Lab
Classification: Benign for Cranioectodermal dysplasia 4. Last evaluated: 2021-12-05. Review status: criteria provided, single submitter. Criteria: ACMG Guidelines, 2015. Collection method: clinical testing. Allele origin: germline. Affected: no.

Genome-Nilou Lab
Classification: Benign for Nephronophthisis 13. Last evaluated: 2021-12-05. Review status: criteria provided, single submitter. Criteria: ACMG Guidelines, 2015. Collection method: clinical testing. Allele origin: germline. Affected: no.

Genome-Nilou Lab
Classification: Benign for Senior-Loken syndrome 8. Last evaluated: 2021-12-05. Review status: criteria provided, single submitter. Criteria: ACMG Guidelines, 2015. Collection method: clinical testing. Allele origin: germline. Affected: no.

Genome-Nilou Lab
Classification: Benign for Asphyxiating thoracic dystrophy 5. Last evaluated: 2021-12-05. Review status: criteria provided, single submitter. Criteria: ACMG Guidelines, 2015. Collection method: clinical testing. Allele origin: germline. Affected: no.

GeneDx
Classification: Benign. Last evaluated: 2021-05-05. Review status: criteria provided, single submitter. Criteria: GeneDx Variant Classification Process June 2021. Collection method: clinical testing. Allele origin: germline. Affected: yes.

Illumina Laboratory Services, Illumina
Classification: Benign for Cranioectodermal dysplasia 4. Last evaluated: 2018-01-13. Review status: criteria provided, single submitter. Criteria: ICSL Variant Classification Criteria 13 December 2019. Collection method: clinical testing. Allele origin: germline.
Comment: This variant was observed in the ICSL laboratory as part of a predisposition screen in an ostensibly healthy population. It had not been previously curated by ICSL or reported in the Human Gene Mutation Database (HGMD: prior to June 1st, 2018), and was therefore a candidate for classification through an automated scoring system. Utilizing variant allele frequency, disease prevalence and penetrance estimates, and inheritance mode, an automated score was calculated to assess if this variant is too frequent to cause the disease. Based on the score and internal cut-off values, a variant classified as benign is not then subjected to further curation. The score for this variant resulted in a classification of benign for this disease.

Illumina Laboratory Services, Illumina
Classification: Benign for Asphyxiating thoracic dystrophy 5. Last evaluated: 2018-01-13. Review status: criteria provided, single submitter. Criteria: ICSL Variant Classification Criteria 13 December 2019. Collection method: clinical testing. Allele origin: germline.
Comment: the same text as in the submission from Illumina Laboratory Services, Illumina above.

Breakthrough Genomics
Classification: Benign. Review status: criteria provided, single submitter. Criteria: ACMG Guidelines, 2015. Collection method: not provided. Allele origin: germline. Inheritance: Autosomal recessive inheritance. Affected: yes.

PreventionGenetics, part of Exact Sciences
Classification: Benign. Review status: criteria provided, single submitter. Criteria: ACMG Guidelines, 2015. Collection method: clinical testing. Allele origin: germline.

Clinical Genetics DNA and cytogenetics Diagnostics Lab, Erasmus MC, Erasmus Medical Center
Classification: Benign. Review status: no assertion criteria provided. Collection method: clinical testing. Allele origin: germline. Affected: yes. Study: VKGL Data-share Consensus. Not counted in ClinVar's aggregate classification.

Joint Genome Diagnostic Labs from Nijmegen and Maastricht, Radboudumc and MUMC+
Classification: Benign. Review status: no assertion criteria provided. Collection method: clinical testing. Allele origin: germline. Affected: yes. Study: VKGL Data-share Consensus. Not counted in ClinVar's aggregate classification.